The following is an entry in ClinVar:

NM_003177.7(SYK):c.1582-16T>A

Gene: SYK (spleen associated tyrosine kinase; plus strand). Cytogenetic location: 9q22.2.
Variant type: single nucleotide variant.
Coding change: c.1582-16T>A on transcript NM_003177.7 (MANE Select); 16 bases into the intron before coding-DNA position 1582, T replaced by A.
Molecular consequence: intron variant.
Genome position (GRCh38, 1-based): chr9:90,887,733, T>A. VCF-style: chr9-90887733-T-A. GRCh37 (hg19) VCF-style: chr9-93650015-T-A.
Other names: NC_000009.11:g.93650015T>A; c.1513-16T>A (NM_001174168.3, NM_001135052.4); c.1582-16T>A (NM_001174167.3).
Identifiers: ClinVar variation 2688260 (VCV002688260.4), dbSNP rs2126053, ClinGen allele CA5119538.

ClinVar aggregate classification (germline): Benign. Review status: criteria provided, multiple submitters, no conflicts (2 of 4 stars). 2 submissions from 2 submitters: Benign (2). Last evaluated 2026-01-21.

Allele frequency attached by ClinVar (database versions not stated): 1000 Genomes Project 0.17113; 1000 Genomes Project 30x 0.17598; TOPMed 0.26288; ESP Exome Variant Server 0.28833.
gnomAD v4.1: 442,649 of 1,585,734 alleles (28%); highest among the groups gnomAD compares: Middle Eastern, 36%; 66,234 homozygotes.

Submissions (11):

Women's Health and Genetics/Laboratory Corporation of America, LabCorp
Classification: Benign. Last evaluated: 2026-01-21. Review status: criteria provided, single submitter. Criteria: LabCorp Variant Classification Summary - May 2015. Collection method: clinical testing. Allele origin: germline.

Unidad de Genómica Garrahan, Hospital de Pediatría Garrahan
Classification: Benign. Last evaluated: 2024-01-24. Review status: criteria provided, single submitter. Criteria: ACMG Guidelines, 2015. Collection method: clinical testing. Allele origin: germline. Affected: no. Observed: 28 variant alleles.
Comment: This variant is classified as Benign based on local population frequency. This variant was detected in 29% of patients studied by a panel of primary immunodeficiencies. Number of patients: 28. Only high quality variants are reported.

Dr. Peter K. Rogan Lab, Western University
No classification provided (evidence only). Condition: Malignant lymphoma, large B-cell, diffuse. Review status: no classification provided. Collection method: in vitro. Allele origin: not applicable. Functional consequence: retained intron. Not counted in ClinVar's aggregate classification.

Dr. Peter K. Rogan Lab, Western University
No classification provided (evidence only). Condition: Malignant lymphoma, large B-cell, diffuse. Review status: no classification provided. Collection method: in vitro. Allele origin: not applicable. Functional consequence: skipped exon, retained intron. Not counted in ClinVar's aggregate classification.

Dr. Peter K. Rogan Lab, Western University
No classification provided (evidence only). Condition: Malignant lymphoma, large B-cell, diffuse. Review status: no classification provided. Collection method: in vitro. Allele origin: not applicable. Functional consequence: skipped exon, retained intron. Not counted in ClinVar's aggregate classification.

Dr. Peter K. Rogan Lab, Western University
No classification provided (evidence only). Condition: Malignant lymphoma, large B-cell, diffuse. Review status: no classification provided. Collection method: in vitro. Allele origin: not applicable. Functional consequence: retained intron. Not counted in ClinVar's aggregate classification.

Dr. Peter K. Rogan Lab, Western University
No classification provided (evidence only). Condition: Malignant lymphoma, large B-cell, diffuse. Review status: no classification provided. Collection method: in vitro. Allele origin: not applicable. Functional consequence: skipped exon, retained intron. Not counted in ClinVar's aggregate classification.

Dr. Peter K. Rogan Lab, Western University
No classification provided (evidence only). Condition: Malignant lymphoma, large B-cell, diffuse. Review status: no classification provided. Collection method: in vitro. Allele origin: not applicable. Functional consequence: skipped exon, retained intron. Not counted in ClinVar's aggregate classification.

Dr. Peter K. Rogan Lab, Western University
No classification provided (evidence only). Condition: Malignant lymphoma, large B-cell, diffuse. Review status: no classification provided. Collection method: in vitro. Allele origin: not applicable. Functional consequence: retained intron. Not counted in ClinVar's aggregate classification.

Dr. Peter K. Rogan Lab, Western University
No classification provided (evidence only). Condition: Malignant lymphoma, large B-cell, diffuse. Review status: no classification provided. Collection method: in vitro. Allele origin: not applicable. Functional consequence: skipped exon. Not counted in ClinVar's aggregate classification.

Dr. Peter K. Rogan Lab, Western University
No classification provided (evidence only). Condition: Hepatocellular carcinoma. Review status: no classification provided. Collection method: in vitro. Allele origin: not applicable. Functional consequence: retained intron. Not counted in ClinVar's aggregate classification.